The following is an entry in ClinVar:

ClinVar aggregate classification (germline): Uncertain significance. Review status: criteria provided, multiple submitters, no conflicts (2 of 4 stars). 3 submissions from 3 submitters: Uncertain significance (3). Last evaluated 2025-12-05.

Conditions:
POLD1-related disorder. Also called: POLD1-related disorders; POLD1-related condition.
Hereditary cancer-predisposing syndrome. Also called: Hereditary neoplastic syndrome; Neoplastic Syndromes, Hereditary; Tumor predisposition; Hereditary Cancer Syndrome. Identifiers: Orphanet 140162, MedGen C0027672, MeSH D009386, MONDO:0015356.
POLD1-related polyposis and colorectal cancer syndrome (CRCS10). Also called: Colorectal cancer, susceptibility to, 10; Colorectal cancer 10; COLORECTAL CANCER, SUSCEPTIBILITY TO, ON CHROMOSOME 19q. Identifiers: Orphanet 220460, MedGen C2675481, MONDO:0012953, OMIM 612591.

Allele frequency attached by ClinVar (database versions not stated): gnomAD exomes 0.00001 and below 0.00001; ExAC 0.00001.
gnomAD v4.1: 9 of 1,611,918 alleles (0.00056%); highest among the groups gnomAD compares: South Asian, 0.0011%; no homozygotes.

Submissions (3):

PreventionGenetics, part of Exact Sciences
Classification: Uncertain significance for POLD1-related condition. Last evaluated: 2025-12-05. Review status: criteria provided, single submitter. Criteria: ACMG Guidelines, 2015. Collection method: clinical testing. Allele origin: germline.
Comment: The POLD1 c.791A>G variant is predicted to result in the amino acid substitution p.Asn264Ser. To our knowledge, this variant has not been reported in the literature. This variant is reported in 0.0033% of alleles in individuals of South Asian descent in gnomAD. At this time, the clinical significance of this variant is uncertain due to the absence of conclusive functional and genetic evidence.

Labcorp Genetics (formerly Invitae), Labcorp
Classification: Uncertain significance for POLD1-related polyposis and colorectal cancer syndrome. Last evaluated: 2024-02-23. Review status: criteria provided, single submitter. Criteria: Invitae Variant Classification Sherloc (09022015). Collection method: clinical testing. Allele origin: germline.
Comment: This sequence change replaces asparagine, which is neutral and polar, with serine, which is neutral and polar, at codon 264 of the POLD1 protein (p.Asn264Ser). This variant is present in population databases (rs751557602, gnomAD 0.003%). This variant has not been reported in the literature in individuals affected with POLD1-related conditions. ClinVar contains an entry for this variant (Variation ID: 1060372). Advanced modeling of protein sequence and biophysical properties (such as structural, functional, and spatial information, amino acid conservation, physicochemical variation, residue mobility, and thermodynamic stability) performed at Invitae indicates that this missense variant is not expected to disrupt POLD1 protein function with a negative predictive value of 80%. In summary, the available evidence is currently insufficient to determine the role of this variant in disease. Therefore, it has been classified as a Variant of Uncertain Significance.

Ambry Genetics
Classification: Uncertain significance for Hereditary cancer-predisposing syndrome. Last evaluated: 2022-08-08. Review status: criteria provided, single submitter. Criteria: Ambry Variant Classification Scheme 2023. Collection method: clinical testing. Allele origin: germline.
Comment: The p.N264S variant (also known as c.791A>G), located in coding exon 6 of the POLD1 gene, results from an A to G substitution at nucleotide position 791. The asparagine at codon 264 is replaced by serine, an amino acid with highly similar properties. This amino acid position is conserved. In addition, this alteration is predicted to be tolerated by in silico analysis. Since supporting evidence is limited at this time, the clinical significance of this alteration remains unclear.

NM_002691.4(POLD1):c.791A>G (p.Asn264Ser)

Gene: POLD1 (DNA polymerase delta 1, catalytic subunit; plus strand). Cytogenetic location: 19q13.33.
Variant type: single nucleotide variant.
Coding change: c.791A>G on transcript NM_002691.4 (MANE Select); coding-DNA position 791, A replaced by G.
Protein change: p.Asn264Ser; replaces asparagine 264 with serine.
Molecular consequence: missense variant. On other transcripts: non-coding transcript variant (1).
Genome position (GRCh38, 1-based): chr19:50,402,486, A>G. VCF-style: chr19-50402486-A-G. GRCh37 (hg19) VCF-style: chr19-50905743-A-G.
Other names: c.791A>G (NM_002691.3); c.791A>G, p.Asn264Ser (NM_001256849.1, NM_001308632.1); short protein forms N264S.
Identifiers: ClinVar variation 1060372 (VCV001060372.9), dbSNP rs751557602, ClinGen allele CA9595908.